The following is an entry in ClinVar:

ClinVar aggregate classification (germline): Uncertain significance (1 of 4 stars; one submission).

Submission:

Labcorp Genetics (formerly Invitae), Labcorp
Classification: Uncertain significance. Last evaluated: 2022-06-13. Review status: criteria provided, single submitter. Criteria: Invitae Variant Classification Sherloc (09022015). Collection method: clinical testing. Allele origin: germline.
Comment: This variant has not been reported in the literature in individuals affected with PNPT1-related conditions. This variant is not present in population databases (gnomAD no frequency). This sequence change replaces asparagine, which is neutral and polar, with aspartic acid, which is acidic and polar, at codon 235 of the PNPT1 protein (p.Asn235Asp). Advanced modeling of protein sequence and biophysical properties (such as structural, functional, and spatial information, amino acid conservation, physicochemical variation, residue mobility, and thermodynamic stability) performed at Invitae indicates that this missense variant is not expected to disrupt PNPT1 protein function. In summary, the available evidence is currently insufficient to determine the role of this variant in disease. Therefore, it has been classified as a Variant of Uncertain Significance.

NM_033109.5(PNPT1):c.703A>G (p.Asn235Asp)

Gene: PNPT1 (polyribonucleotide nucleotidyltransferase 1; minus strand). Cytogenetic location: 2p16.1.
Variant type: single nucleotide variant.
Coding change: c.703A>G on transcript NM_033109.5 (MANE Select); coding-DNA position 703, A replaced by G.
Protein change: p.Asn235Asp; replaces asparagine 235 with aspartic acid.
Molecular consequence: missense variant.
Genome position (GRCh38, 1-based): chr2:55,673,056, T>C on the plus strand (A>G on the coding strand, the complement: PNPT1 is on the minus strand). VCF-style: chr2-55673056-T-C. GRCh37 (hg19) VCF-style: chr2-55900191-T-C.
Other names: short protein forms N235D.
Identifiers: ClinVar variation 1378777 (VCV001378777.6), dbSNP rs2104127597, ClinGen allele CA346934707.